The following is an entry in ClinVar:

ClinVar aggregate classification (germline): Benign (1 of 4 stars; one submission).

Allele frequency attached by ClinVar (database versions not stated): gnomAD 0.00217 and 0.00349; 1000 Genomes Project 30x 0.01827; ExAC 0.02602.

Submission:

Laboratory for Molecular Medicine, Mass General Brigham Personalized Medicine
Classification: Benign. Last evaluated: 2016-03-28. Review status: criteria provided, single submitter. Criteria: LMM Criteria. Collection method: clinical testing. Allele origin: germline.
Comment: Variant identified in a genome or exome case(s) and assessed due to predicted null impact of the variant or pathogenic assertions in the literature or databases. Disclaimer: This variant has not undergone full assessment. The following are preliminary notes: Frequency

NM_001201380.3(CNTNAP3B):c.1844del (p.Leu615fs)

Gene: CNTNAP3B (contactin associated protein family member 3B; minus strand). Cytogenetic location: 9p11.2.
Variant type: Deletion.
Coding change: c.1844del on transcript NM_001201380.3 (MANE Select); coding-DNA position 1844, one base deleted (T; older notation c.1844delT).
Protein change: p.Leu615fs; shifts the reading frame from leucine 615.
Molecular consequence: frameshift variant.
Genome position (GRCh38, 1-based): chr9:41,960,805, A deleted on the plus strand (T on the coding strand, the reverse complement: CNTNAP3B is on the minus strand). VCF-style (leftmost placement, unchanged base first): chr9-41960804-CA-C. GRCh37 (hg19) VCF-style: chr9-43853583-CT-C.
Other names: short protein forms L615fs.
Identifiers: ClinVar variation 402551 (VCV000402551.4), dbSNP rs375643696, ClinGen allele CA5068595.